The following is an entry in ClinVar:

ClinVar aggregate classification (germline): Uncertain significance (1 of 4 stars; one submission).

Conditions:
Mosaic variegated aneuploidy syndrome 2 (MVA2). Identifiers: Orphanet 1052, MedGen C3279843, MONDO:0013582, OMIM 614114.

Submission:

Labcorp Genetics (formerly Invitae), Labcorp
Classification: Uncertain significance for Mosaic variegated aneuploidy syndrome 2. Last evaluated: 2024-04-09. Review status: criteria provided, single submitter. Criteria: Invitae Variant Classification Sherloc (09022015). Collection method: clinical testing. Allele origin: germline.
Comment: This sequence change falls in intron 4 of the CEP57 gene. It does not directly change the encoded amino acid sequence of the CEP57 protein. This variant is not present in population databases (gnomAD no frequency). This variant has not been reported in the literature in individuals affected with CEP57-related conditions. Algorithms developed to predict the effect of sequence changes on RNA splicing suggest that this variant may disrupt the consensus splice site. In summary, the available evidence is currently insufficient to determine the role of this variant in disease. Therefore, it has been classified as a Variant of Uncertain Significance.

NM_014679.5(CEP57):c.505-6T>C

Gene: CEP57 (centrosomal protein 57; plus strand). Cytogenetic location: 11q21.
Variant type: single nucleotide variant.
Coding change: c.505-6T>C on transcript NM_014679.5 (MANE Select); 6 bases into the intron before coding-DNA position 505, T replaced by C.
Molecular consequence: intron variant.
Genome position (GRCh38, 1-based): chr11:95,817,781, T>C. VCF-style: chr11-95817781-T-C. GRCh37 (hg19) VCF-style: chr11-95550945-T-C.
Other names: c.424-6T>C (NM_001363604.2); c.478-6T>C (NM_001243776.2); c.505-6T>C (NM_001243777.2).
Identifiers: ClinVar variation 3649243 (VCV003649243.2).